The following is an entry in ClinVar:

ClinVar aggregate classification (germline): Uncertain significance (1 of 4 stars; one submission).

Submission:

Labcorp Genetics (formerly Invitae), Labcorp
Classification: Uncertain significance. Last evaluated: 2022-08-23. Review status: criteria provided, single submitter. Criteria: Invitae Variant Classification Sherloc (09022015). Collection method: clinical testing. Allele origin: germline.
Comment: This variant is not present in population databases (gnomAD no frequency). This sequence change replaces histidine, which is basic and polar, with aspartic acid, which is acidic and polar, at codon 1680 of the POLE protein (p.His1680Asp). This variant has not been reported in the literature in individuals affected with POLE-related conditions. ClinVar contains an entry for this variant (Variation ID: 1000774). Algorithms developed to predict the effect of missense changes on protein structure and function (SIFT, PolyPhen-2, Align-GVGD) all suggest that this variant is likely to be tolerated. In summary, the available evidence is currently insufficient to determine the role of this variant in disease. Therefore, it has been classified as a Variant of Uncertain Significance.

NM_006231.4(POLE):c.5038C>G (p.His1680Asp)

Gene: POLE (DNA polymerase epsilon, catalytic subunit; minus strand). Cytogenetic location: 12q24.33.
Variant type: single nucleotide variant.
Coding change: c.5038C>G on transcript NM_006231.4 (MANE Select); coding-DNA position 5038, C replaced by G.
Protein change: p.His1680Asp; replaces histidine 1680 with aspartic acid.
Molecular consequence: missense variant.
Genome position (GRCh38, 1-based): chr12:132,642,312, G>C on the plus strand (C>G on the coding strand, the complement: POLE is on the minus strand). VCF-style: chr12-132642312-G-C. GRCh37 (hg19) VCF-style: chr12-133218898-G-C.
Other names: short protein forms H1680D.
Identifiers: ClinVar variation 1000774 (VCV001000774.8), dbSNP rs2042163953, ClinGen allele CA387377236.